The following is an entry in ClinVar:

NM_001904.4(CTNNB1):c.121A>C (p.Thr41Pro)

Genes: CTNNB1 (catenin beta 1; plus strand), LOC126806658 (BRD4-independent group 4 enhancer GRCh37_chr3:41265899-41267098; plus strand). Cytogenetic location: 3p22.1.
Variant type: single nucleotide variant.
Coding change: c.121A>C on transcript NM_001904.4 (MANE Select); coding-DNA position 121, A replaced by C.
Protein change: p.Thr41Pro; replaces threonine 41 with proline.
Molecular consequence: missense variant.
Genome position (GRCh38, 1-based): chr3:41,224,633, A>C. VCF-style: chr3-41224633-A-C. GRCh37 (hg19) VCF-style: chr3-41266124-A-C.
Other names: c.121A>C, p.Thr41Pro (NM_001098209.2, NM_001098210.2, NM_001438871.1 and 4 more transcripts); c.100A>C, p.Thr34Pro (NM_001330729.2); short protein forms T34P, T41P.
Identifiers: ClinVar variation 4530147 (VCV004530147.1).

ClinVar aggregate classification (somatic clinical impact): Tier I - Strong (1 of 4 stars; one submission).

Conditions:
Adrenal cortex neoplasm. Also called: ADRENAL CORTICAL NEOPLASM; Neoplasm of the adrenal cortex. Identifiers: MedGen C0001618, MONDO:0036591, HP:0100641.

Submission:

Institute for Genomic Medicine (IGM) Clinical Laboratory, Nationwide Children's Hospital
Classification: Tier I - Strong for Adrenal cortex neoplasm. Assertion type: diagnostic. Clinical significance: supports diagnosis. Last evaluated: 2025-05-14. Review status: criteria provided, single submitter. Criteria: AMP/ASCO/CAP Guidelines, 2017. Collection method: clinical testing. Allele origin: somatic. Affected: yes.
Comment: Variant has Tier I (strong) clinical significance as a diagnostic inclusion criterion in adrenal cortex neoplasm, based on the following evidence: 1) Documented in one or more cancer databases (e.g., St. Jude Pecan, COSMIC, CIViC, OncoKB). 2) Appears in one or more well-established professional guidelines (e.g., World Health Organization [WHO]; National Comprehensive Cancer Network [NCCN]) as providing diagnostic, prognostic, or therapeutic information. 3) Diagnostic for a specific tumor type/classification based on well-powered studies with expert-level consensus (Evidence Level B; PMIDs: 16140927, 24747642, 25490274, 25743702, 26815163, 27165744, 27468715).

Literature cited by the submitters: PubMed 16140927; PubMed 24747642; PubMed 25490274; PubMed 25743702; PubMed 26815163; PubMed 27165744; PubMed 27468715.